The following is an entry in ClinVar:

ClinVar aggregate classification (germline): Uncertain significance (1 of 4 stars; one submission).

Allele frequency attached by ClinVar (database versions not stated): gnomAD exomes below 0.00001.

Submission:

Labcorp Genetics (formerly Invitae), Labcorp
Classification: Uncertain significance. Last evaluated: 2022-07-02. Review status: criteria provided, single submitter. Criteria: Invitae Variant Classification Sherloc (09022015). Collection method: clinical testing. Allele origin: germline.
Comment: This sequence change replaces serine, which is neutral and polar, with glycine, which is neutral and non-polar, at codon 873 of the ELP1 protein (p.Ser873Gly). This variant is not present in population databases (gnomAD no frequency). This variant has not been reported in the literature in individuals affected with ELP1-related conditions. Algorithms developed to predict the effect of missense changes on protein structure and function (SIFT, PolyPhen-2, Align-GVGD) all suggest that this variant is likely to be tolerated. In summary, the available evidence is currently insufficient to determine the role of this variant in disease. Therefore, it has been classified as a Variant of Uncertain Significance.

NM_003640.5(ELP1):c.2617A>G (p.Ser873Gly)

Gene: ELP1 (elongator acetyltransferase complex subunit 1; minus strand). Cytogenetic location: 9q31.3.
Variant type: single nucleotide variant.
Coding change: c.2617A>G on transcript NM_003640.5 (MANE Select); coding-DNA position 2617, A replaced by G.
Protein change: p.Ser873Gly; replaces serine 873 with glycine.
Molecular consequence: missense variant.
Genome position (GRCh38, 1-based): chr9:108,896,615, T>C on the plus strand (A>G on the coding strand, the complement: ELP1 is on the minus strand). VCF-style: chr9-108896615-T-C. GRCh37 (hg19) VCF-style: chr9-111658895-T-C.
Other names: c.2275A>G, p.Ser759Gly (NM_001318360.2); c.1570A>G, p.Ser524Gly (NM_001330749.2); short protein forms S873G, S524G, S759G.
Identifiers: ClinVar variation 1943949 (VCV001943949.2), dbSNP rs2537889256, ClinGen allele CA374420098.